The following is an entry in ClinVar:

NC_000002.11:g.(?_71351316)_(71351693_?)dup

Gene: MCEE (methylmalonyl-CoA epimerase; minus strand). Cytogenetic location: 2p13.3.
Variant type: Duplication.
Identifiers: ClinVar variation 3247278 (VCV003247278.1).

ClinVar aggregate classification (germline): Likely pathogenic (1 of 4 stars; one submission).

Conditions:
Methylmalonic acidemia due to methylmalonyl-CoA epimerase deficiency. Also called: Methylmalonyl-CoA Epimerase Deficiency; METHYLMALONYL-CoA RACEMASE DEFICIENCY; METHYLMALONIC ACIDURIA III. Identifiers: Orphanet 308425, MedGen C1855100, MONDO:0009615, OMIM 251120.

Submission:

Labcorp Genetics (formerly Invitae), Labcorp
Classification: Likely pathogenic for Methylmalonic acidemia due to methylmalonyl-CoA epimerase deficiency. Last evaluated: 2023-03-27. Review status: criteria provided, single submitter. Criteria: Invitae Variant Classification Sherloc (09022015). Collection method: clinical testing. Allele origin: unknown.
Comment: In summary, the currently available evidence indicates that the variant is pathogenic, but additional data are needed to prove that conclusively. Therefore, this variant has been classified as Likely Pathogenic. This variant has not been reported in the literature in individuals affected with MCEE-related conditions. This variant results in a copy number gain of the genomic region encompassing exon(s) 2 of the MCEE gene. While the exact position of this variant cannot be determined from the data, sub-genic copy number gains are generally in tandem (PMID: 25640679). This variant is predicted to be out-of-frame, and may result in an absent or disrupted protein product. Loss-of-function variants in MCEE are known to be pathogenic (PMID: 16697227, 16752391, 30682498).

Literature cited by the submitters: PubMed 25640679; PubMed 16697227; PubMed 16752391; PubMed 30682498.